The following is an entry in ClinVar:

NM_003900.5(SQSTM1):c.256G>C (p.Ala86Pro)

Gene: SQSTM1 (sequestosome 1; plus strand). Cytogenetic location: 5q35.3.
Variant type: single nucleotide variant.
Coding change: c.256G>C on transcript NM_003900.5 (MANE Select); coding-DNA position 256, G replaced by C.
Protein change: p.Ala86Pro; replaces alanine 86 with proline.
Molecular consequence: missense variant.
Genome position (GRCh38, 1-based): chr5:179,823,008, G>C. VCF-style: chr5-179823008-G-C. GRCh37 (hg19) VCF-style: chr5-179250008-G-C.
Other names: c.4G>C, p.Ala2Pro (NM_001142298.2, NM_001142299.2); short protein forms A2P, A86P.
Identifiers: ClinVar variation 1525563 (VCV001525563.6), dbSNP rs1208284061, ClinGen allele CA362443112.

ClinVar aggregate classification (germline): Uncertain significance (1 of 4 stars; one submission).

Conditions:
Frontotemporal dementia and/or amyotrophic lateral sclerosis 1 (FTDALS1). Also called: C9orf72 Frontotemporal Dementia and/or Amyotrophic Lateral Sclerosis; Frontotemporal dementia with motor neuron disease 1. Identifiers: Orphanet 275872, MedGen C5779877, MONDO:0007105, OMIM 105550.
Paget disease of bone 2, early-onset (PDB2). Also called: Paget disease of bone 2. Identifiers: MedGen C4085251, MONDO:0011183, OMIM 602080.

Allele frequency attached by ClinVar (database versions not stated): TOPMed below 0.00001; gnomAD 0.00001.
gnomAD v4.1: 1 of 1,614,006 alleles (0.000062%); highest among the groups gnomAD compares: Non-Finnish European, 0.000085%; no homozygotes.

Submission:

Labcorp Genetics (formerly Invitae), Labcorp
Classification: Uncertain significance for Paget disease of bone 2, early-onset; Frontotemporal dementia and/or amyotrophic lateral sclerosis 1. Last evaluated: 2022-07-19. Review status: criteria provided, single submitter. Criteria: Invitae Variant Classification Sherloc (09022015). Collection method: clinical testing. Allele origin: germline.
Comment: ClinVar contains an entry for this variant (Variation ID: 1525563). In summary, the available evidence is currently insufficient to determine the role of this variant in disease. Therefore, it has been classified as a Variant of Uncertain Significance. Algorithms developed to predict the effect of missense changes on protein structure and function are either unavailable or do not agree on the potential impact of this missense change (SIFT: "Tolerated"; PolyPhen-2: "Probably Damaging"; Align-GVGD: "Class C0"). This variant has not been reported in the literature in individuals affected with SQSTM1-related conditions. This variant is not present in population databases (gnomAD no frequency). This sequence change replaces alanine, which is neutral and non-polar, with proline, which is neutral and non-polar, at codon 86 of the SQSTM1 protein (p.Ala86Pro).